The following is an entry in ClinVar:

NM_000153.4(GALC):c.448C>T (p.Pro150Ser)

Gene: GALC (galactosylceramidase; minus strand). Cytogenetic location: 14q31.3.
Variant type: single nucleotide variant.
Coding change: c.448C>T on transcript NM_000153.4 (MANE Select); coding-DNA position 448, C replaced by T.
Protein change: p.Pro150Ser; replaces proline 150 with serine.
Molecular consequence: missense variant.
Genome position (GRCh38, 1-based): chr14:87,984,528, G>A on the plus strand (C>T on the coding strand, the complement: GALC is on the minus strand). VCF-style: chr14-87984528-G-A. GRCh37 (hg19) VCF-style: chr14-88450872-G-A.
Other names: c.379C>T, p.Pro127Ser (NM_001201401.2); c.370C>T, p.Pro124Ser (NM_001201402.2); short protein forms P127S, P150S, P124S.
Identifiers: ClinVar variation 1402927 (VCV001402927.7), dbSNP rs372568602, ClinGen allele CA7297356.

ClinVar aggregate classification (germline): Uncertain significance. Review status: criteria provided, multiple submitters, no conflicts (2 of 4 stars). 2 submissions from 2 submitters: Uncertain significance (2). Last evaluated 2024-03-14.

Conditions:
Galactosylceramide beta-galactosidase deficiency. Also called: Krabbe Disease; GALACTOCEREBROSIDASE DEFICIENCY; GALC DEFICIENCY; GLOBOID CELL LEUKOENCEPHALOPATHY; Leukodystrophy, Globoid Cell. Identifiers: Orphanet 487, MedGen C0023521, MONDO:0009499, OMIM 245200.

Allele frequency attached by ClinVar (database versions not stated): ExAC 0.00001; gnomAD exomes 0.00001 and 0.00002; gnomAD 0.00002; TOPMed 0.00003; ESP Exome Variant Server 0.00008.

Submissions (2):

Revvity Omics, Revvity
Classification: Uncertain significance. Last evaluated: 2024-03-14. Review status: criteria provided, single submitter. Criteria: ACMG Guidelines, 2015. Collection method: clinical testing. Allele origin: germline.

Labcorp Genetics (formerly Invitae), Labcorp
Classification: Uncertain significance for Galactosylceramide beta-galactosidase deficiency. Last evaluated: 2022-01-16. Review status: criteria provided, single submitter. Criteria: Invitae Variant Classification Sherloc (09022015). Collection method: clinical testing. Allele origin: germline.
Comment: This sequence change replaces proline, which is neutral and non-polar, with serine, which is neutral and polar, at codon 150 of the GALC protein (p.Pro150Ser). This variant is present in population databases (rs372568602, gnomAD 0.003%). This variant has not been reported in the literature in individuals affected with GALC-related conditions. Advanced modeling of protein sequence and biophysical properties (such as structural, functional, and spatial information, amino acid conservation, physicochemical variation, residue mobility, and thermodynamic stability) performed at Invitae indicates that this missense variant is expected to disrupt GALC protein function. In summary, the available evidence is currently insufficient to determine the role of this variant in disease. Therefore, it has been classified as a Variant of Uncertain Significance.